The following is an entry in ClinVar:

ClinVar aggregate classification (germline): Likely benign (0 of 4 stars; one submission).

Conditions:
PTPRS-related disorder. Also called: PTPRS-related condition.

Allele frequency attached by ClinVar (database versions not stated): 1000 Genomes Project 0.00040; 1000 Genomes Project 30x 0.00047; gnomAD 0.00070; TOPMed 0.00076; ESP Exome Variant Server 0.00077.
gnomAD v4.1: 294 of 1,614,190 alleles (0.018%); highest among the groups gnomAD compares: African/African-American, 0.23%; 1 homozygote.

Submission:

PreventionGenetics, part of Exact Sciences
Classification: Likely benign for PTPRS-related condition. Last evaluated: 2019-03-12. Review status: no assertion criteria provided. Collection method: clinical testing. Allele origin: germline.
Comment: This variant is classified as likely benign based on ACMG/AMP sequence variant interpretation guidelines (Richards et al. 2015 PMID: 25741868, with internal and published modifications).

NM_002850.4(PTPRS):c.4557G>A (p.Thr1519=)

Gene: PTPRS (protein tyrosine phosphatase receptor type S; minus strand). Cytogenetic location: 19p13.3.
Variant type: single nucleotide variant.
Coding change: c.4557G>A on transcript NM_002850.4 (MANE Select); coding-DNA position 4557, G replaced by A.
Protein change: p.Thr1519=; no amino-acid change (threonine 1519 retained).
Molecular consequence: synonymous variant.
Genome position (GRCh38, 1-based): chr19:5,214,418, C>T on the plus strand (G>A on the coding strand, the complement: PTPRS is on the minus strand). VCF-style: chr19-5214418-C-T. GRCh37 (hg19) VCF-style: chr19-5214429-C-T.
Other names: c.4491G>A, p.Thr1497= (NM_001394011.1); c.4470G>A, p.Thr1490= (NM_001394012.1); c.4431G>A, p.Thr1477= (NM_001394013.1); c.3216G>A, p.Thr1072= (NM_130853.3); c.4443G>A, p.Thr1481= (NM_130854.3); c.3228G>A, p.Thr1076= (NM_130855.3).
Identifiers: ClinVar variation 3047687 (VCV003047687.2), dbSNP rs61729769, ClinGen allele CA9109084.
Genomic context (GRCh38, chr19:5,214,418, plus strand): 5'-CACCTTGTGCAGAGAGAATGTCCTGACGCAGAATGTGGCCAGCTCGATGGTATCTAGCAA[C>T]GTGACCTGGATGAAGCCGTAGGTCTCCGTGCCTCTGTTGGGCCAATACTGATCACACTTG-3'
Protein context (NP_002841.3, residues 1509-1529): GTETYGFIQV[Thr1519=]LLDTIELATF